The following is an entry in ClinVar:

NM_000059.4(BRCA2):c.9844C>A (p.Pro3282Thr)

Gene: BRCA2 (BRCA2 DNA repair associated; plus strand). Cytogenetic location: 13q13.1.
Variant type: single nucleotide variant.
Coding change: c.9844C>A on transcript NM_000059.4 (MANE Select); coding-DNA position 9844, C replaced by A.
Protein change: p.Pro3282Thr; replaces proline 3282 with threonine.
Molecular consequence: missense variant.
Genome position (GRCh38, 1-based): chr13:32,398,357, C>A. VCF-style: chr13-32398357-C-A. GRCh37 (hg19) VCF-style: chr13-32972494-C-A.
Other names: short protein forms P3282T.
Identifiers: ClinVar variation 653387 (VCV000653387.10), dbSNP rs1593201901, ClinGen allele CA387766422.

ClinVar aggregate classification (germline): Uncertain significance. Review status: criteria provided, multiple submitters, no conflicts (2 of 4 stars). 2 submissions from 2 submitters: Uncertain significance (2). Last evaluated 2024-08-14.

Conditions:
Hereditary breast ovarian cancer syndrome. Also called: Breast and ovarian cancer; BRCA1- and BRCA2-Associated Hereditary Breast and Ovarian Cancer; Hereditary breast and ovarian cancer; Hereditary breast and/or ovarian cancer syndrome; Hereditary breast and ovarian cancer syndrome; Hereditary breast and ovarian cancer syndrome (HBOC). Identifiers: Orphanet 145, MedGen C0677776, MeSH D061325, MONDO:0003582. Disease mechanism: loss of function.
Hereditary cancer-predisposing syndrome. Also called: Neoplastic Syndromes, Hereditary; Tumor predisposition; Hereditary Cancer Syndrome; Hereditary neoplastic syndrome. Identifiers: Orphanet 140162, MedGen C0027672, MeSH D009386, MONDO:0015356.

Submissions (2):

Ambry Genetics
Classification: Uncertain significance for Hereditary cancer-predisposing syndrome. Last evaluated: 2024-08-14. Review status: criteria provided, single submitter. Criteria: Ambry Variant Classification Scheme 2023. Collection method: clinical testing. Allele origin: germline.
Comment: The p.P3282T variant (also known as c.9844C>A), located in coding exon 26 of the BRCA2 gene, results from a C to A substitution at nucleotide position 9844. The proline at codon 3282 is replaced by threonine, an amino acid with highly similar properties. This amino acid position is well conserved in available vertebrate species. In addition, this alteration is predicted to be tolerated by in silico analysis. Based on the available evidence, the clinical significance of this variant remains unclear.

Labcorp Genetics (formerly Invitae), Labcorp
Classification: Uncertain significance for Hereditary breast ovarian cancer syndrome. Last evaluated: 2020-11-20. Review status: criteria provided, single submitter. Criteria: Invitae Variant Classification Sherloc (09022015). Collection method: clinical testing. Allele origin: germline.
Comment: This variant is not present in population databases (ExAC no frequency). In summary, the available evidence is currently insufficient to determine the role of this variant in disease. Therefore, it has been classified as a Variant of Uncertain Significance. Algorithms developed to predict the effect of missense changes on protein structure and function are either unavailable or do not agree on the potential impact of this missense change (SIFT: "Deleterious"; PolyPhen-2: "Possibly Damaging"; Align-GVGD: "Class C0"). This variant has not been reported in the literature in individuals with BRCA2-related disease. This sequence change replaces proline with threonine at codon 3282 of the BRCA2 protein (p.Pro3282Thr). The proline residue is highly conserved and there is a small physicochemical difference between proline and threonine.